The following is an entry in ClinVar:

NM_004260.4(RECQL4):c.1814A>T (p.Asp605Val)

Gene: RECQL4 (RecQ like helicase 4; minus strand). Cytogenetic location: 8q24.3.
Variant type: single nucleotide variant.
Coding change: c.1814A>T on transcript NM_004260.4 (MANE Select); coding-DNA position 1814, A replaced by T.
Protein change: p.Asp605Val; replaces aspartic acid 605 with valine.
Molecular consequence: missense variant. On other transcripts: non-coding transcript variant (3), intron variant (3).
Genome position (GRCh38, 1-based): chr8:144,514,253, T>A on the plus strand (A>T on the coding strand, the complement: RECQL4 is on the minus strand). VCF-style: chr8-144514253-T-A. GRCh37 (hg19) VCF-style: chr8-145739637-T-A.
Other names: c.1718A>T, p.Asp573Val (NM_001413017.1, NM_001413020.1); c.743A>T, p.Asp248Val (NM_001413028.1, NM_001413034.1, NM_001413035.1 and 6 more transcripts); c.1463A>T, p.Asp488Val (NM_001413029.1); c.677A>T, p.Asp226Val (NM_001413030.1, NM_001413032.1, NM_001413027.1 and 1 more transcripts); c.1814A>T, p.Asp605Val (NM_001413036.1, NM_001413018.1, NM_001413019.1); c.1784A>T, p.Asp595Val (NM_001413039.1); c.1685A>T, p.Asp562Val (NM_001413025.1); c.713A>T, p.Asp238Val (NM_001413042.1); and 4 more; short protein forms D116V, D226V, D595V, D248V, D238V, D488V, D605V, D562V.
Identifiers: ClinVar variation 4152397 (VCV004152397.1).

ClinVar aggregate classification (germline): Uncertain significance (1 of 4 stars; one submission).

Conditions:
Inborn genetic diseases. Identifiers: MedGen C0950123, MeSH D030342.

Submission:

Ambry Genetics
Classification: Uncertain significance for Inborn genetic diseases. Last evaluated: 2025-07-28. Review status: criteria provided, single submitter. Criteria: Ambry Variant Classification Scheme 2023. Collection method: clinical testing. Allele origin: germline.
Comment: The p.D605V variant (also known as c.1814A>T), located in coding exon 11 of the RECQL4 gene, results from an A to T substitution at nucleotide position 1814. The aspartic acid at codon 605 is replaced by valine, an amino acid with highly dissimilar properties. This amino acid position is conserved. In addition, this alteration is predicted to be deleterious by in silico analysis. Based on the available evidence, the clinical significance of this variant remains unclear.